The following is an entry in ClinVar:

ClinVar aggregate classification (germline): Uncertain significance (1 of 4 stars; one submission).

Conditions:
Inborn genetic diseases. Identifiers: MedGen C0950123, MeSH D030342.

Allele frequency attached by ClinVar (database versions not stated): TOPMed below 0.00001.

Submission:

Ambry Genetics
Classification: Uncertain significance for Inborn genetic diseases. Last evaluated: 2024-02-25. Review status: criteria provided, single submitter. Criteria: Ambry Variant Classification Scheme 2023. Collection method: clinical testing. Allele origin: germline.
Comment: The p.L977V variant (also known as c.2929C>G), located in coding exon 23 of the LRRK2 gene, results from a C to G substitution at nucleotide position 2929. The leucine at codon 977 is replaced by valine, an amino acid with highly similar properties. This amino acid position is conserved. In addition, this alteration is predicted to be tolerated by in silico analysis. Based on the available evidence, the clinical significance of this alteration remains unclear.

NM_198578.4(LRRK2):c.2929C>G (p.Leu977Val)

Gene: LRRK2 (leucine rich repeat kinase 2; plus strand). Cytogenetic location: 12q12.
Variant type: single nucleotide variant.
Coding change: c.2929C>G on transcript NM_198578.4 (MANE Select); coding-DNA position 2929, C replaced by G.
Protein change: p.Leu977Val; replaces leucine 977 with valine.
Molecular consequence: missense variant.
Genome position (GRCh38, 1-based): chr12:40,295,477, C>G. VCF-style: chr12-40295477-C-G. GRCh37 (hg19) VCF-style: chr12-40689279-C-G.
Other names: short protein forms L977V.
Identifiers: ClinVar variation 3229580 (VCV003229580.1), dbSNP rs1944345860, ClinGen allele CA384412558.